The following is an entry in ClinVar:

NM_019109.5(ALG1):c.339C>G (p.Tyr113Ter)

Gene: ALG1 (ALG1 chitobiosyldiphosphodolichol beta-mannosyltransferase; plus strand). Cytogenetic location: 16p13.3.
Variant type: single nucleotide variant.
Coding change: c.339C>G on transcript NM_019109.5 (MANE Select); coding-DNA position 339, C replaced by G.
Protein change: p.Tyr113Ter; replaces tyrosine 113 with a stop codon.
Molecular consequence: nonsense.
Genome position (GRCh38, 1-based): chr16:5,073,205, C>G. VCF-style: chr16-5073205-C-G. GRCh37 (hg19) VCF-style: chr16-5123206-C-G.
Other names: c.6C>G, p.Tyr2Ter (NM_001330504.2); short protein forms Y113*, Y2*.
Identifiers: ClinVar variation 1323877 (VCV001323877.8), dbSNP rs776990436, ClinGen allele CA7889792.

ClinVar aggregate classification (germline): Pathogenic/Likely pathogenic. Review status: criteria provided, multiple submitters, no conflicts (2 of 4 stars). 3 submissions from 3 submitters: Pathogenic (1); Likely pathogenic (2). Last evaluated 2023-04-21.

Conditions:
ALG1-related disorder. Also called: ALG1-related condition.
ALG1-congenital disorder of glycosylation. Also called: CONGENITAL DISORDER OF GLYCOSYLATION, TYPE Ik; CDG Ik; ALG1-CDG. Identifiers: Orphanet 79327, MedGen C2931005, MONDO:0012052, OMIM 608540.

Allele frequency attached by ClinVar (database versions not stated): gnomAD exomes below 0.00001; ExAC 0.00001.

Submissions (3):

PreventionGenetics, part of Exact Sciences
Classification: Likely pathogenic for ALG1-related condition. Last evaluated: 2023-04-21. Review status: criteria provided, single submitter. Criteria: ACMG Guidelines, 2015. Collection method: clinical testing. Allele origin: germline.
Comment: The ALG1 c.339C>G variant is predicted to result in premature protein termination (p.Tyr113*). To our knowledge, this variant has not been reported in the literature. This variant is reported in 0.0033% of alleles in individuals of South Asian descent in gnomAD. Nonsense variants in ALG1 are expected to be pathogenic. This variant is interpreted as likely pathogenic.

Labcorp Genetics (formerly Invitae), Labcorp
Classification: Pathogenic for ALG1-congenital disorder of glycosylation. Last evaluated: 2023-01-22. Review status: criteria provided, single submitter. Criteria: Invitae Variant Classification Sherloc (09022015). Collection method: clinical testing. Allele origin: germline.
Comment: ClinVar contains an entry for this variant (Variation ID: 1323877). For these reasons, this variant has been classified as Pathogenic. This variant has not been reported in the literature in individuals affected with ALG1-related conditions. This variant is present in population databases (rs776990436, gnomAD 0.003%). This sequence change creates a premature translational stop signal (p.Tyr113*) in the ALG1 gene. It is expected to result in an absent or disrupted protein product. Loss-of-function variants in ALG1 are known to be pathogenic (PMID: 20679665, 23806237).

Revvity Omics, Revvity
Classification: Likely pathogenic for ALG1-congenital disorder of glycosylation. Last evaluated: 2019-01-18. Review status: criteria provided, single submitter. Criteria: ACMG Guidelines, 2015. Collection method: clinical testing. Allele origin: germline.

Literature cited by the submitters: PubMed 20679665 (cited by Labcorp Genetics (formerly Invitae), Labcorp); PubMed 23806237 (cited by Labcorp Genetics (formerly Invitae), Labcorp).